The following is an entry in ClinVar:

ClinVar aggregate classification (germline): Uncertain significance (1 of 4 stars; one submission).

Conditions:
Spastic paraplegia 83, autosomal recessive. Identifiers: Orphanet 631076, MedGen C5436637, MONDO:0033614, OMIM 619027.

Submission:

Dr. Oladnabi Research Group, Golestan University of Medical Sciences
Classification: Uncertain significance for Spastic paraplegia 83, autosomal recessive. Last evaluated: 2025-10-20. Review status: criteria provided, single submitter. Criteria: ACMG Guidelines, 2015. Collection method: research. Allele origin: germline. Inheritance: Autosomal recessive inheritance. Affected: yes.
Comment: The HPDL variant (NM_032756.4:c.128G>C, p.Arg43Pro) results in the substitution of arginine with proline at codon 43, a position highly conserved across species, suggesting potential functional significance. This missense change occurs within a critical region of the HPDL protein, which plays a role in mitochondrial function and neuronal development. According to the ACMG guidelines, this variant is classified as a Variant of Uncertain Significance (VUS), supported by PM2 (Moderate)—the variant is absent or extremely rare in large population databases such as gnomAD—and PP2 (Supporting)—missense variants are a common mechanism of disease in HPDL, and benign variation is rare. Although the genotype is consistent with the inheritance pattern of SPG83, additional functional or segregation data are required to clarify the pathogenicity of this variant.

Literature cited by the submitters: DOI 10.1016/j.neurol.2015.02.017.

NM_032756.4(HPDL):c.128G>C (p.Arg43Pro)

Gene: HPDL (4-hydroxyphenylpyruvate dioxygenase like; plus strand). Cytogenetic location: 1p34.1.
Variant type: single nucleotide variant.
Coding change: c.128G>C on transcript NM_032756.4 (MANE Select); coding-DNA position 128, G replaced by C.
Protein change: p.Arg43Pro; replaces arginine 43 with proline.
Molecular consequence: missense variant.
Genome position (GRCh38, 1-based): chr1:45,327,276, G>C. VCF-style: chr1-45327276-G-C. GRCh37 (hg19) VCF-style: chr1-45792948-G-C.
Other names: short protein forms R43P.
Identifiers: ClinVar variation 4291094 (VCV004291094.1).